The following is an entry in ClinVar:

ClinVar aggregate classification (germline): Uncertain significance. Review status: criteria provided, multiple submitters, no conflicts (2 of 4 stars). 3 submissions from 3 submitters: Uncertain significance (2). 1 of the submissions does not count toward it. Last evaluated 2022-09-01.

Conditions:
Mucopolysaccharidosis, MPS-III-B (MPS3B). Also called: SANFILIPPO SYNDROME B; MPS III B; MUCOPOLYSACCHARIDOSIS, TYPE IIIB; Mucopolysaccharidosis type IIIB (Sanfilippo B); MPS IIIB (Sanfilippo Syndrome Type B); N-ACETYL-ALPHA-D-GLUCOSAMINIDASE DEFICIENCY. Identifiers: Orphanet 79270, MedGen C0086648, MONDO:0009656, OMIM 252920.
Charcot-Marie-Tooth disease axonal type 2V. Also called: CHARCOT-MARIE-TOOTH NEUROPATHY, TYPE 2V; CHARCOT-MARIE-TOOTH DISEASE, AXONAL, AUTOSOMAL DOMINANT, TYPE 2V. Identifiers: Orphanet 447964, MedGen C5569050, MONDO:0014665, OMIM 616491.

Allele frequency attached by ClinVar (database versions not stated): gnomAD 0.00001.

Submissions (3):

Labcorp Genetics (formerly Invitae), Labcorp
Classification: Uncertain significance for Charcot-Marie-Tooth disease axonal type 2V; Mucopolysaccharidosis, MPS-III-B. Last evaluated: 2022-09-01. Review status: criteria provided, single submitter. Criteria: Invitae Variant Classification Sherloc (09022015). Collection method: clinical testing. Allele origin: germline.
Comment: This sequence change replaces arginine, which is basic and polar, with tryptophan, which is neutral and slightly polar, at codon 541 of the NAGLU protein (p.Arg541Trp). This variant is present in population databases (no rsID available, gnomAD 0.006%). This missense change has been observed in individual(s) with mucopolysaccharidosis type III (PMID: 24314109). ClinVar contains an entry for this variant (Variation ID: 554508). Advanced modeling of protein sequence and biophysical properties (such as structural, functional, and spatial information, amino acid conservation, physicochemical variation, residue mobility, and thermodynamic stability) performed at Invitae indicates that this missense variant is not expected to disrupt NAGLU protein function. In summary, the available evidence is currently insufficient to determine the role of this variant in disease. Therefore, it has been classified as a Variant of Uncertain Significance.

Fulgent Genetics
Classification: Uncertain significance for Mucopolysaccharidosis, MPS-III-B; Charcot-Marie-Tooth disease axonal type 2V. Last evaluated: 2021-07-07. Review status: criteria provided, single submitter. Criteria: ACMG Guidelines, 2015. Collection method: clinical testing. Allele origin: unknown.

Counsyl
Classification: Uncertain significance for Mucopolysaccharidosis, MPS-III-B. Last evaluated: 2017-10-24. Review status: no assertion criteria provided. Collection method: clinical testing. Allele origin: unknown. Not counted in ClinVar's aggregate classification.

Literature cited by the submitters: PubMed 24314109 (cited by Labcorp Genetics (formerly Invitae), Labcorp and Counsyl).

NM_000263.4(NAGLU):c.1621C>T (p.Arg541Trp)

Gene: NAGLU (N-acetyl-alpha-glucosaminidase; plus strand). Cytogenetic location: 17q21.2.
Variant type: single nucleotide variant.
Coding change: c.1621C>T on transcript NM_000263.4 (MANE Select); coding-DNA position 1621, C replaced by T.
Protein change: p.Arg541Trp; replaces arginine 541 with tryptophan.
Molecular consequence: missense variant.
Genome position (GRCh38, 1-based): chr17:42,543,627, C>T. VCF-style: chr17-42543627-C-T. GRCh37 (hg19) VCF-style: chr17-40695645-C-T.
Other names: short protein forms R541W.
Identifiers: ClinVar variation 554508 (VCV000554508.5), dbSNP rs780527821, ClinGen allele CA399604309.
Genomic context (GRCh38, chr17:42,543,627, plus strand): 5'-CCGTCCCTACAGATGAATACCAGCATCTGGTACAACCGATCTGATGTGTTTGAGGCCTGG[C>T]GGCTGCTGCTCACATCTGCTCCCTCCCTGGCCACCAGCCCCGCCTTCCGCTACGACCTGC-3'
Protein context (NP_000254.2, residues 531-551): YNRSDVFEAW[Arg541Trp]LLLTSAPSLA